The following is an entry in ClinVar:

ClinVar aggregate classification (germline): Uncertain significance. Review status: criteria provided, multiple submitters, no conflicts (2 of 4 stars). 3 submissions from 3 submitters: Uncertain significance (3). Last evaluated 2022-04-04.

Conditions:
Myofibrillar myopathy 5. Also called: Filaminopathy (type); FILAMINOPATHY, AUTOSOMAL DOMINANT. Identifiers: Orphanet 171445, MedGen C1836050, MONDO:0012289, OMIM 609524.
Hypertrophic cardiomyopathy 26. Also called: Cardiomyopathy, familial hypertrophic, 26. Identifiers: Orphanet 75249, MedGen C4310749, MONDO:0014883, OMIM 617047.
Dilated Cardiomyopathy, Dominant.
Distal myopathy with posterior leg and anterior hand involvement. Also called: WILLIAMS DISTAL MYOPATHY. Identifiers: Orphanet 63273, MedGen C3279722, MONDO:0013550, OMIM 614065.
Cardiovascular phenotype. Identifiers: MedGen CN230736.

Allele frequency attached by ClinVar (database versions not stated): gnomAD exomes below 0.00001.
gnomAD v4.1: 2 of 1,587,658 alleles (0.00013%); highest among the groups gnomAD compares: Non-Finnish European, 0.00017%; no homozygotes.

Submissions (3):

Ambry Genetics
Classification: Uncertain significance for Cardiovascular phenotype. Last evaluated: 2022-04-04. Review status: criteria provided, single submitter. Criteria: Ambry Variant Classification Scheme 2023. Collection method: clinical testing. Allele origin: germline.
Comment: The p.D1736E variant (also known as c.5208C>A), located in coding exon 31 of the FLNC gene, results from a C to A substitution at nucleotide position 5208. The aspartic acid at codon 1736 is replaced by glutamic acid, an amino acid with highly similar properties. This amino acid position is conserved. In addition, this alteration is predicted to be tolerated by in silico analysis. Since supporting evidence is limited at this time, the clinical significance of this alteration remains unclear.

Labcorp Genetics (formerly Invitae), Labcorp
Classification: Uncertain significance for Distal myopathy with posterior leg and anterior hand involvement; Myofibrillar myopathy 5; Hypertrophic cardiomyopathy 26. Last evaluated: 2021-08-28. Review status: criteria provided, single submitter. Criteria: Invitae Variant Classification Sherloc (09022015). Collection method: clinical testing. Allele origin: germline.
Comment: This sequence change replaces aspartic acid with glutamic acid at codon 1736 of the FLNC protein (p.Asp1736Glu). The aspartic acid residue is moderately conserved and there is a small physicochemical difference between aspartic acid and glutamic acid. This variant is not present in population databases (ExAC no frequency). This variant has not been reported in the literature in individuals affected with FLNC-related conditions. Algorithms developed to predict the effect of missense changes on protein structure and function output the following: SIFT: "Tolerated"; PolyPhen-2: "Benign"; Align-GVGD: "Class C0". The glutamic acid amino acid residue is found in multiple mammalian species, which suggests that this missense change does not adversely affect protein function. In summary, the available evidence is currently insufficient to determine the role of this variant in disease. Therefore, it has been classified as a Variant of Uncertain Significance.

Stanford Center for Inherited Cardiovascular Disease, Stanford University
Classification: Uncertain significance. Last evaluated: 2017-09-11. Review status: criteria provided, single submitter. Criteria: ACMG Guidelines, 2015. Collection method: provider interpretation. Allele origin: germline.

NM_001458.5(FLNC):c.5208C>A (p.Asp1736Glu)

Gene: FLNC (filamin C; plus strand). Cytogenetic location: 7q32.1.
Variant type: single nucleotide variant.
Coding change: c.5208C>A on transcript NM_001458.5 (MANE Select); coding-DNA position 5208, C replaced by A.
Protein change: p.Asp1736Glu; replaces aspartic acid 1736 with glutamic acid.
Molecular consequence: missense variant. On other transcripts: intron variant (1).
Genome position (GRCh38, 1-based): chr7:128,849,984, C>A. VCF-style: chr7-128849984-C-A. GRCh37 (hg19) VCF-style: chr7-128490038-C-A.
Other names: c.5200-400C>A (NM_001127487.2); short protein forms D1736E.
Identifiers: ClinVar variation 472093 (VCV000472093.10), dbSNP rs1291689149, ClinGen allele CA369204491.